The following is an entry in ClinVar:

ClinVar aggregate classification (germline): Benign/Likely benign. Review status: criteria provided, multiple submitters, no conflicts (2 of 4 stars). 3 submissions from 3 submitters: Benign (1); Likely benign (2). Last evaluated 2026-04-27.

Conditions:
Colorectal cancer, susceptibility to, 1. Also called: COLORECTAL ADENOMA AND CANCER, SUSCEPTIBILITY TO; COLORECTAL CANCER, SUSCEPTIBILITY TO, ON CHROMOSOME 9. Identifiers: MedGen C1837315, MONDO:0012132, OMIM 608812.

Allele frequency attached by ClinVar (database versions not stated): TOPMed below 0.00001; gnomAD 0.00001.
gnomAD v4.1: 19 of 1,614,058 alleles (0.0012%); highest among the groups gnomAD compares: East Asian, 0.042%; no homozygotes.

Submissions (3):

Myriad Genetics, Inc.
Classification: Benign for Colorectal cancer, susceptibility to, 1. Last evaluated: 2026-04-27. Review status: criteria provided, single submitter. Criteria: Myriad Autosomal Dominant, Autosomal Recessive and X-Linked Classification Criteria (2023). Collection method: clinical testing. Allele origin: unknown.
Comment: This variant is considered benign. This variant is a silent/synonymous amino acid change and it is not expected to impact splicing.

Labcorp Genetics (formerly Invitae), Labcorp
Classification: Likely benign. Last evaluated: 2024-12-02. Review status: criteria provided, single submitter. Criteria: Invitae Variant Classification Sherloc (09022015). Collection method: clinical testing. Allele origin: germline.

Ambry Genetics
Classification: Likely benign. Last evaluated: 2019-11-06. Review status: criteria provided, single submitter. Criteria: Ambry Variant Classification Scheme 2023. Collection method: clinical testing. Allele origin: germline.

NM_024642.5(GALNT12):c.1491C>T (p.Arg497=)

Gene: GALNT12 (polypeptide N-acetylgalactosaminyltransferase 12; plus strand). Cytogenetic location: 9q22.33.
Variant type: single nucleotide variant.
Coding change: c.1491C>T on transcript NM_024642.5 (MANE Select); coding-DNA position 1491, C replaced by T.
Protein change: p.Arg497=; no amino-acid change (arginine 497 retained).
Molecular consequence: synonymous variant.
Genome position (GRCh38, 1-based): chr9:98,846,009, C>T. VCF-style: chr9-98846009-C-T. GRCh37 (hg19) VCF-style: chr9-101608291-C-T.
Identifiers: ClinVar variation 819359 (VCV000819359.13), dbSNP rs765327993, ClinGen allele CA5154302.